The following is an entry in ClinVar:

ClinVar aggregate classification (germline): Uncertain significance. Review status: criteria provided, multiple submitters, no conflicts (2 of 4 stars). 2 submissions from 2 submitters: Uncertain significance (2). Last evaluated 2025-01-07.

Conditions:
Primary ciliary dyskinesia. Also called: Ciliary dyskinesia. Identifiers: Orphanet 244, MedGen C0008780, MONDO:0016575, HP:0012265.

Allele frequency attached by ClinVar (database versions not stated): ExAC 0.00001; gnomAD 0.00001; gnomAD exomes 0.00001; TOPMed 0.00002.

Submissions (2):

Ambry Genetics
Classification: Uncertain significance for Primary ciliary dyskinesia. Last evaluated: 2025-01-07. Review status: criteria provided, single submitter. Criteria: Ambry Variant Classification Scheme 2023. Collection method: clinical testing. Allele origin: germline.

Labcorp Genetics (formerly Invitae), Labcorp
Classification: Uncertain significance for Primary ciliary dyskinesia. Last evaluated: 2020-12-17. Review status: criteria provided, single submitter. Criteria: Invitae Variant Classification Sherloc (09022015). Collection method: clinical testing. Allele origin: germline.
Comment: Algorithms developed to predict the effect of sequence changes on RNA splicing suggest that this variant may create or strengthen a splice site, but this prediction has not been confirmed by published transcriptional studies. This sequence change replaces glycine with arginine at codon 640 of the CCDC114 protein (p.Gly640Arg). The glycine residue is weakly conserved and there is a moderate physicochemical difference between glycine and arginine. This variant is present in population databases (rs771734792, ExAC 0.01%). This variant has not been reported in the literature in individuals with CCDC114-related conditions. Algorithms developed to predict the effect of missense changes on protein structure and function output the following: SIFT: "Tolerated"; PolyPhen-2: "Probably Damaging"; Align-GVGD: "Class C0". The arginine amino acid residue is found in multiple mammalian species, suggesting that this missense change does not adversely affect protein function. These predictions have not been confirmed by published functional studies and their clinical significance is uncertain. In summary, the available evidence is currently insufficient to determine the role of this variant in disease. Therefore, it has been classified as a Variant of Uncertain Significance.

NM_001364171.2(ODAD1):c.2029G>A (p.Gly677Arg)

Gene: ODAD1 (outer dynein arm docking complex subunit 1; minus strand). Cytogenetic location: 19q13.33.
Variant type: single nucleotide variant.
Coding change: c.2029G>A on transcript NM_001364171.2 (MANE Select); coding-DNA position 2029, G replaced by A.
Protein change: p.Gly677Arg; replaces glycine 677 with arginine.
Molecular consequence: missense variant.
Genome position (GRCh38, 1-based): chr19:48,297,071, C>T on the plus strand (G>A on the coding strand, the complement: ODAD1 is on the minus strand). VCF-style: chr19-48297071-C-T. GRCh37 (hg19) VCF-style: chr19-48800328-C-T.
Other names: c.1918G>A (NM_144577.3); c.1918G>A, p.Gly640Arg (NM_144577.4); short protein forms G640R, G677R.
Identifiers: ClinVar variation 1682853 (VCV001682853.10), dbSNP rs771734792, ClinGen allele CA9548496.
Genomic context (GRCh38, chr19:48,297,071, plus strand): 5'-GGCCAGTGCTGGAGGCAGGGCCGGTGCTGGAGACGTGGTCTCTGCTGGACCCGAGGCCTC[C>T]GCTCGAATCAGACGCTGTGCCTCCGCTCTCCACACCACCCTCTGTGTTTTCTCCGCCCCT-3'
Protein context (NP_001351100.1, residues 667-687): ESGGTASDSS[Gly677Arg]GLGSSRDHVS